The following is an entry in ClinVar:

NM_006204.4(PDE6C):c.2248G>C (p.Asp750His)

Gene: PDE6C (phosphodiesterase 6C; plus strand). Cytogenetic location: 10q23.33.
Variant type: single nucleotide variant.
Coding change: c.2248G>C on transcript NM_006204.4 (MANE Select); coding-DNA position 2248, G replaced by C.
Protein change: p.Asp750His; replaces aspartic acid 750 with histidine.
Molecular consequence: missense variant.
Genome position (GRCh38, 1-based): chr10:93,662,098, G>C. VCF-style: chr10-93662098-G-C. GRCh37 (hg19) VCF-style: chr10-95421855-G-C.
Other names: short protein forms D750H.
Identifiers: ClinVar variation 1496256 (VCV001496256.8), dbSNP rs2058668365, ClinGen allele CA377627385.

ClinVar aggregate classification (germline): Uncertain significance (1 of 4 stars; one submission).

Allele frequency attached by ClinVar (database versions not stated): gnomAD exomes below 0.00001; TOPMed below 0.00001.
gnomAD v4.1: 2 of 1,609,704 alleles (0.00012%); highest among the groups gnomAD compares: Non-Finnish European, 0.00017%; no homozygotes.

Submission:

Labcorp Genetics (formerly Invitae), Labcorp
Classification: Uncertain significance. Last evaluated: 2022-10-31. Review status: criteria provided, single submitter. Criteria: Invitae Variant Classification Sherloc (09022015). Collection method: clinical testing. Allele origin: germline.
Comment: This sequence change replaces aspartic acid, which is acidic and polar, with histidine, which is basic and polar, at codon 750 of the PDE6C protein (p.Asp750His). This variant is not present in population databases (gnomAD no frequency). This missense change has been observed in individual(s) with inherited retinal dystrophy (Invitae). In at least one individual the data is consistent with being in trans (on the opposite chromosome) from a pathogenic variant. ClinVar contains an entry for this variant (Variation ID: 1496256). Advanced modeling of protein sequence and biophysical properties (such as structural, functional, and spatial information, amino acid conservation, physicochemical variation, residue mobility, and thermodynamic stability) performed at Invitae indicates that this missense variant is expected to disrupt PDE6C protein function. In summary, the available evidence is currently insufficient to determine the role of this variant in disease. Therefore, it has been classified as a Variant of Uncertain Significance.